The following is an entry in ClinVar:

NM_001256627.2(BRSK2):c.1961T>C (p.Met654Thr)

Gene: BRSK2 (BR serine/threonine kinase 2; plus strand). Cytogenetic location: 11p15.5.
Variant type: single nucleotide variant.
Coding change: c.1961T>C on transcript NM_001256627.2 (MANE Select); coding-DNA position 1961, T replaced by C.
Protein change: p.Met654Thr; replaces methionine 654 with threonine.
Molecular consequence: missense variant. On other transcripts: non-coding transcript variant (1), intron variant (2).
Genome position (GRCh38, 1-based): chr11:1,459,213, T>C. VCF-style: chr11-1459213-T-C. GRCh37 (hg19) VCF-style: chr11-1480443-T-C.
Other names: c.2099T>C, p.Met700Thr (NM_001256630.1); c.1961T>C, p.Met654Thr (NM_003957.4); c.*10-1757T>C (NM_001256629.2, NM_001282218.2); short protein forms M654T, M700T.
Identifiers: ClinVar variation 3364157 (VCV003364157.1).

ClinVar aggregate classification (germline): Uncertain significance (1 of 4 stars; one submission).

Submission:

GeneDx
Classification: Uncertain significance. Last evaluated: 2023-11-09. Review status: criteria provided, single submitter. Criteria: GeneDx Variant Classification Process June 2021. Collection method: clinical testing. Allele origin: germline. Affected: yes.
Comment: Not observed at significant frequency in large population cohorts (gnomAD); In silico analysis supports that this missense variant does not alter protein structure/function; Has not been previously published as pathogenic or benign to our knowledge